The following is an entry in ClinVar:

NM_001042424.3(NSD2):c.3607G>A (p.Gly1203Arg)

Gene: NSD2 (nuclear receptor binding SET domain protein 2; plus strand). Cytogenetic location: 4p16.3.
Variant type: single nucleotide variant.
Coding change: c.3607G>A on transcript NM_001042424.3 (MANE Select); coding-DNA position 3607, G replaced by A.
Protein change: p.Gly1203Arg; replaces glycine 1203 with arginine.
Molecular consequence: missense variant.
Genome position (GRCh38, 1-based): chr4:1,975,386, G>A. VCF-style: chr4-1975386-G-A. GRCh37 (hg19) VCF-style: chr4-1977113-G-A.
Other names: c.3607G>A, p.Gly1203Arg (NM_133330.3, NM_133331.3, NM_133335.4); short protein forms G1203R.
Identifiers: ClinVar variation 2662949 (VCV002662949.1), dbSNP rs2474751877, ClinGen allele CA356001854.

ClinVar aggregate classification (germline): Uncertain significance (1 of 4 stars; one submission).

Submission:

GeneDx
Classification: Uncertain significance. Last evaluated: 2023-04-18. Review status: criteria provided, single submitter. Criteria: GeneDx Variant Classification Process June 2021. Collection method: clinical testing. Allele origin: germline. Affected: yes.
Comment: Not observed at significant frequency in large population cohorts (gnomAD); In silico analysis supports that this missense variant has a deleterious effect on protein structure/function; Has not been previously published as pathogenic or benign to our knowledge